The following is an entry in ClinVar:

ClinVar aggregate classification (germline): Pathogenic (1 of 4 stars; one submission).

Conditions:
Brachyolmia-amelogenesis imperfecta syndrome. Also called: Tooth agenesis, selective, 6; Dental anomalies and short stature; PLATYSPONDYLY WITH AMELOGENESIS IMPERFECTA. Identifiers: Orphanet 2899, MedGen C1832594, MONDO:0011018, OMIM 601216. Disease mechanism: loss of function.

Submission:

Labcorp Genetics (formerly Invitae), Labcorp
Classification: Pathogenic for Brachyolmia-amelogenesis imperfecta syndrome. Last evaluated: 2024-12-16. Review status: criteria provided, single submitter. Criteria: Invitae Variant Classification Sherloc (09022015). Collection method: clinical testing. Allele origin: germline.
Comment: This sequence change creates a premature translational stop signal (p.Arg656Alafs*135) in the LTBP3 gene. It is expected to result in an absent or disrupted protein product. Loss-of-function variants in LTBP3 are known to be pathogenic (PMID: 11790802, 19344874, 25669657). The frequency data for this variant in the population databases is considered unreliable, as metrics indicate poor data quality at this position in the gnomAD database. This variant has not been reported in the literature in individuals affected with LTBP3-related conditions. ClinVar contains an entry for this variant (Variation ID: 2847485). For these reasons, this variant has been classified as Pathogenic.

Literature cited by the submitters: PubMed 11790802; PubMed 19344874; PubMed 25669657.

NM_001130144.3(LTBP3):c.1965dup (p.Arg656fs)

Genes: LTBP3 (latent transforming growth factor beta binding protein 3; minus strand), LOC130006032 (ATAC-STARR-seq lymphoblastoid silent region 3535; plus strand). Cytogenetic location: 11q13.1.
Variant type: Duplication.
Coding change: c.1965dup on transcript NM_001130144.3 (MANE Select); coding-DNA position 1965, one base duplicated (G; older notation c.1965dupG).
Protein change: p.Arg656fs; shifts the reading frame from arginine 656.
Molecular consequence: frameshift variant.
Genome position (GRCh38, 1-based): chr11:65,547,703, C duplicated on the plus strand (G on the coding strand, the reverse complement: LTBP3 is on the minus strand); the first of 6 consecutive C bases (chr11:65,547,703-65,547,708); duplicating any one gives the same sequence. VCF-style (leftmost placement, unchanged base first): chr11-65547702-G-GC. GRCh37 (hg19) VCF-style: chr11-65315173-G-GC.
Other names: c.1614dup, p.Arg539fs (NM_001164266.1); c.1965dup, p.Arg656fs (NM_021070.4); short protein forms R539fs, R656fs.
Identifiers: ClinVar variation 2847485 (VCV002847485.3), dbSNP rs1261169167, ClinGen allele CA600226894.
Genomic context (GRCh38, chr11:65,547,702, plus strand): 5'-AGGAGAGCCCGTCCCACCCAGGGCCGCCTCCGCCCTGGCGGCGCTCACCCACGCACGAGC[G>GC]CCCCCCGGCGCCCACGTGCAGGCGGTAGCCGCGGTTGCAGTGGCAATTGTAGGAGCCGCC-3'